The following is an entry in ClinVar:

ClinVar aggregate classification (germline): Pathogenic (1 of 4 stars; one submission).

Submission:

Labcorp Genetics (formerly Invitae), Labcorp
Classification: Pathogenic. Last evaluated: 2021-08-28. Review status: criteria provided, single submitter. Criteria: Invitae Variant Classification Sherloc (09022015). Collection method: clinical testing. Allele origin: germline.
Comment: For these reasons, this variant has been classified as Pathogenic. Disruption of the initiator codon has been observed in individuals with RP2-related conditions (PMID: 26355662, 29847639; Invitae). This variant is not present in population databases (ExAC no frequency). This sequence change affects the initiator methionine of the RP2 mRNA. The next in-frame methionine is located at codon 41.

Literature cited by the submitters: PubMed 26355662; PubMed 29847639.

NM_006915.3(RP2):c.2T>A (p.Met1Lys)

Genes: RP2 (RP2 activator of ARL3 GTPase; plus strand), LOC130068202 (ATAC-STARR-seq lymphoblastoid active region 29577; plus strand). Cytogenetic location: Xp11.3.
Variant type: single nucleotide variant.
Coding change: c.2T>A on transcript NM_006915.3 (MANE Select); coding-DNA position 2, T replaced by A.
Protein change: p.Met1Lys; changes the start codon (methionine 1).
Molecular consequence: missense variant, initiator codon variant.
Genome position (GRCh38, 1-based): chrX:46,837,102, T>A. VCF-style: chrX-46837102-T-A. GRCh37 (hg19) VCF-style: chrX-46696537-T-A.
Other names: short protein forms M1K.
Identifiers: ClinVar variation 1375559 (VCV001375559.6), dbSNP rs797044561, ClinGen allele CA413038134.